The following is an entry in ClinVar:

NM_001048174.2(MUTYH):c.236A>C (p.Glu79Ala)

Gene: MUTYH (mutY DNA glycosylase; minus strand). Cytogenetic location: 1p34.1.
Variant type: single nucleotide variant.
Coding change: c.236A>C on transcript NM_001048174.2 (MANE Select); coding-DNA position 236, A replaced by C.
Protein change: p.Glu79Ala; replaces glutamic acid 79 with alanine.
Molecular consequence: missense variant. On other transcripts: 5 prime UTR variant (6), non-coding transcript variant (7).
Genome position (GRCh38, 1-based): chr1:45,333,441, T>G on the plus strand (A>C on the coding strand, the complement: MUTYH is on the minus strand). VCF-style: chr1-45333441-T-G. GRCh37 (hg19) VCF-style: chr1-45799113-T-G.
Other names: c.236A>C, p.Glu79Ala (NM_001048171.2, NM_001048173.2, NM_001407080.1 and 6 more transcripts); c.239A>C, p.Glu80Ala (NM_001048172.2, NM_001407078.1, NM_001407079.1 and 2 more transcripts); c.278A>C, p.Glu93Ala (NM_001407073.1, NM_001407083.1, NM_001407085.1); c.152A>C, p.Glu51Ala (NM_001407075.1); c.269A>C, p.Glu90Ala (NM_001407077.1, NM_001293191.2); c.-36A>C (NM_001407082.1, NM_001350650.2, NM_001350651.2); c.257A>C, p.Glu86Ala (NM_001407087.1); c.-41A>C (NM_001407091.1, NM_001293192.2, NM_001293196.2); and 3 more; short protein forms E94A, E51A, E79A, E86A, E90A, E107A, E80A, E104A.
Identifiers: ClinVar variation 4113598 (VCV004113598.1).

ClinVar aggregate classification (germline): Uncertain significance (1 of 4 stars; one submission).

Conditions:
Hereditary cancer-predisposing syndrome. Also called: Hereditary neoplastic syndrome; Neoplastic Syndromes, Hereditary; Tumor predisposition; Hereditary Cancer Syndrome. Identifiers: Orphanet 140162, MedGen C0027672, MeSH D009386, MONDO:0015356.

Submission:

Ambry Genetics
Classification: Uncertain significance for Hereditary cancer-predisposing syndrome. Last evaluated: 2025-08-27. Review status: criteria provided, single submitter. Criteria: Ambry Variant Classification Scheme 2023. Collection method: clinical testing. Allele origin: germline.
Comment: The p.E107A variant (also known as c.320A>C), located in coding exon 3 of the MUTYH gene, results from an A to C substitution at nucleotide position 320. The glutamic acid at codon 107 is replaced by alanine, an amino acid with dissimilar properties. This amino acid position is conserved. In addition, this alteration is predicted to be tolerated by in silico analysis. Based on the available evidence, the clinical significance of this variant remains unclear.